The following is an entry in ClinVar:

NM_139318.5(KCNH5):c.304+4G>A

Gene: KCNH5 (potassium voltage-gated channel subfamily H member 5; minus strand). Cytogenetic location: 14q23.2.
Variant type: single nucleotide variant.
Coding change: c.304+4G>A on transcript NM_139318.5 (MANE Select); 4 bases into the intron after coding-DNA position 304, G replaced by A.
Molecular consequence: intron variant.
Genome position (GRCh38, 1-based): chr14:63,006,362, C>T on the plus strand (G>A on the coding strand, the complement: KCNH5 is on the minus strand). VCF-style: chr14-63006362-C-T. GRCh37 (hg19) VCF-style: chr14-63473080-C-T.
Other names: c.304+4G>A (NM_172375.3).
Identifiers: ClinVar variation 1480031 (VCV001480031.7), dbSNP rs750807814, ClinGen allele CA7217710.

ClinVar aggregate classification (germline): Uncertain significance (1 of 4 stars; one submission).

Conditions:
Early-infantile DEE. Also called: Ohtahara syndrome; Early infantile epileptic encephalopathy with suppression bursts; Early infantile epileptic encephalopathy. Identifiers: Orphanet 1934, MedGen C0393706, MONDO:0800491.

Allele frequency attached by ClinVar (database versions not stated): gnomAD exomes below 0.00001; ExAC 0.00001.
gnomAD v4.1: 1 of 1,566,132 alleles (0.000064%); highest among the groups gnomAD compares: South Asian, 0.0011%; no homozygotes.

Submission:

Labcorp Genetics (formerly Invitae), Labcorp
Classification: Uncertain significance for Early-infantile DEE. Last evaluated: 2024-02-16. Review status: criteria provided, single submitter. Criteria: Invitae Variant Classification Sherloc (09022015). Collection method: clinical testing. Allele origin: germline.
Comment: This sequence change falls in intron 3 of the KCNH5 gene. It does not directly change the encoded amino acid sequence of the KCNH5 protein. It affects a nucleotide within the consensus splice site. This variant is present in population databases (rs750807814, gnomAD 0.003%). This variant has not been reported in the literature in individuals affected with KCNH5-related conditions. ClinVar contains an entry for this variant (Variation ID: 1480031). Variants that disrupt the consensus splice site are a relatively common cause of aberrant splicing (PMID: 17576681, 9536098). Algorithms developed to predict the effect of sequence changes on RNA splicing suggest that this variant is not likely to affect RNA splicing. In summary, the available evidence is currently insufficient to determine the role of this variant in disease. Therefore, it has been classified as a Variant of Uncertain Significance.

Literature cited by the submitters: PubMed 17576681; PubMed 9536098.